The following is an entry in ClinVar:

ClinVar aggregate classification (germline): Uncertain significance (1 of 4 stars; one submission).

Conditions:
Long QT syndrome (LQTS). Identifiers: MedGen C0023976, MeSH D008133, MONDO:0002442. Disease mechanism: loss of function. Inheritance: Various modes of inheritance.

Submission:

Labcorp Genetics (formerly Invitae), Labcorp
Classification: Uncertain significance for Long QT syndrome. Last evaluated: 2020-12-23. Review status: criteria provided, single submitter. Criteria: Invitae Variant Classification Sherloc (09022015). Collection method: clinical testing. Allele origin: germline.
Comment: In summary, the available evidence is currently insufficient to determine the role of this variant in disease. Therefore, it has been classified as a Variant of Uncertain Significance. Algorithms developed to predict the effect of missense changes on protein structure and function (SIFT, PolyPhen-2, Align-GVGD) all suggest that this variant is likely to be tolerated, but these predictions have not been confirmed by published functional studies and their clinical significance is uncertain. This variant has been observed in individual(s) with clinical features of long QT syndrome (Invitae). This sequence change replaces glycine with aspartic acid at codon 879 of the KCNH2 protein (p.Gly879Asp). The glycine residue is weakly conserved and there is a moderate physicochemical difference between glycine and aspartic acid. This variant is not present in population databases (ExAC no frequency).

NM_000238.4(KCNH2):c.2636G>A (p.Gly879Asp)

Gene: KCNH2 (potassium voltage-gated channel subfamily H member 2; minus strand). Cytogenetic location: 7q36.1.
Variant type: single nucleotide variant.
Coding change: c.2636G>A on transcript NM_000238.4 (MANE Select); coding-DNA position 2636, G replaced by A.
Protein change: p.Gly879Asp; replaces glycine 879 with aspartic acid.
Molecular consequence: missense variant.
Genome position (GRCh38, 1-based): chr7:150,948,500, C>T on the plus strand (G>A on the coding strand, the complement: KCNH2 is on the minus strand). VCF-style: chr7-150948500-C-T. GRCh37 (hg19) VCF-style: chr7-150645588-C-T.
Other names: c.1616G>A, p.Gly539Asp (NM_172057.3); short protein forms G539D, G879D.
Identifiers: ClinVar variation 1510422 (VCV001510422.8), dbSNP rs2116938251, ClinGen allele CA369853783.